The following is an entry in ClinVar:

NM_198965.2(PTHLH):c.433T>C (p.Ser145Pro)

Gene: PTHLH (parathyroid hormone like hormone; minus strand). Cytogenetic location: 12p11.22.
Variant type: single nucleotide variant.
Coding change: c.433T>C on transcript NM_198965.2 (MANE Select); coding-DNA position 433, T replaced by C.
Protein change: p.Ser145Pro; replaces serine 145 with proline.
Molecular consequence: missense variant.
Genome position (GRCh38, 1-based): chr12:27,963,439, A>G on the plus strand (T>C on the coding strand, the complement: PTHLH is on the minus strand). VCF-style: chr12-27963439-A-G. GRCh37 (hg19) VCF-style: chr12-28116372-A-G.
Other names: c.433T>C, p.Ser145Pro (NM_002820.3, NM_198964.2, NM_198966.2); short protein forms S145P.
Identifiers: ClinVar variation 2851782 (VCV002851782.3), dbSNP rs2539962138, ClinGen allele CA384338808.

ClinVar aggregate classification (germline): Uncertain significance (1 of 4 stars; one submission).

Submission:

Labcorp Genetics (formerly Invitae), Labcorp
Classification: Uncertain significance. Last evaluated: 2023-08-27. Review status: criteria provided, single submitter. Criteria: Invitae Variant Classification Sherloc (09022015). Collection method: clinical testing. Allele origin: germline.
Comment: In summary, the available evidence is currently insufficient to determine the role of this variant in disease. Therefore, it has been classified as a Variant of Uncertain Significance. An algorithm developed to predict the effect of missense changes on protein structure and function (PolyPhen-2) suggests that this variant is likely to be disruptive. This variant has not been reported in the literature in individuals affected with PTHLH-related conditions. This variant is not present in population databases (gnomAD no frequency). This sequence change replaces serine, which is neutral and polar, with proline, which is neutral and non-polar, at codon 145 of the PTHLH protein (p.Ser145Pro).